The following is an entry in ClinVar:

NM_000179.3(MSH6):c.3138C>G (p.Asp1046Glu)

Gene: MSH6 (mutS homolog 6; plus strand). Cytogenetic location: 2p16.3.
Variant type: single nucleotide variant.
Coding change: c.3138C>G on transcript NM_000179.3 (MANE Select); coding-DNA position 3138, C replaced by G.
Protein change: p.Asp1046Glu; replaces aspartic acid 1046 with glutamic acid.
Molecular consequence: missense variant.
Genome position (GRCh38, 1-based): chr2:47,801,121, C>G. VCF-style: chr2-47801121-C-G. GRCh37 (hg19) VCF-style: chr2-48028260-C-G.
Other names: c.2748C>G, p.Asp916Glu (NM_001281492.2); c.2232C>G, p.Asp744Glu (NM_001281493.2, NM_001281494.2); short protein forms D1046E, D916E, D744E.
Identifiers: ClinVar variation 525660 (VCV000525660.20), dbSNP rs1244049824, ClinGen allele CA346756683.

ClinVar aggregate classification (germline): Conflicting classifications of pathogenicity. Review status: criteria provided, conflicting classifications (1 of 4 stars). 5 submissions from 5 submitters: Uncertain significance (4); Benign (1). Last evaluated 2025-12-15.

Conditions:
Hereditary nonpolyposis colorectal neoplasms. Identifiers: MedGen C0009405, MeSH D003123.
Hereditary cancer-predisposing syndrome. Also called: Neoplastic Syndromes, Hereditary; Tumor predisposition; Hereditary Cancer Syndrome; Hereditary neoplastic syndrome. Identifiers: Orphanet 140162, MedGen C0027672, MeSH D009386, MONDO:0015356.
Lynch syndrome. Identifiers: Orphanet 144, MedGen C4552100, MONDO:0005835. Disease mechanism: loss of function.

Submissions (5):

Labcorp Genetics (formerly Invitae), Labcorp
Classification: Benign for Hereditary nonpolyposis colorectal neoplasms. Last evaluated: 2025-12-15. Review status: criteria provided, single submitter. Criteria: Invitae Variant Classification Sherloc (09022015). Collection method: clinical testing. Allele origin: germline.

Ambry Genetics
Classification: Uncertain significance for Hereditary cancer-predisposing syndrome. Last evaluated: 2025-08-04. Review status: criteria provided, single submitter. Criteria: Ambry Variant Classification Scheme 2023. Collection method: clinical testing. Allele origin: germline.
Comment: The p.D1046E variant (also known as c.3138C>G), located in coding exon 4 of the MSH6 gene, results from a C to G substitution at nucleotide position 3138. The aspartic acid at codon 1046 is replaced by glutamic acid, an amino acid with highly similar properties. This amino acid position is well conserved in available vertebrate species. In addition, this alteration is predicted to be tolerated by in silico analysis. Since supporting evidence is limited at this time, the clinical significance of this alteration remains unclear.

All of Us Research Program, National Institutes of Health
Classification: Uncertain significance for Lynch syndrome. Last evaluated: 2024-07-10. Review status: criteria provided, single submitter. Criteria: ACMG Guidelines, 2015. Collection method: clinical testing. Allele origin: germline. Inheritance: Autosomal dominant inheritance. Observed: 1 variant allele, 1 heterozygote.
Comment: This missense variant replaces aspartic acid with glutamic acid at codon 1046 of the MSH6 protein. Computational prediction suggests that this variant may not impact protein structure and function (internally defined REVEL score threshold <= 0.5, PMID: 27666373). To our knowledge, functional studies have not been reported for this variant. This variant has not been reported in individuals affected with MSH6-related disorders in the literature. This variant has not been identified in the general population by the Genome Aggregation Database (gnomAD). The available evidence is insufficient to determine the role of this variant in disease conclusively. Therefore, this variant is classified as a Variant of Uncertain Significance.

This study involves interpretation of variants in research participants for the purpose of population health screening. Participant phenotype was not available at the time of variant classification. Additional details can be found in publication PMID: 35346344, PMCID: PMC8962531

Color Diagnostics, LLC DBA Color Health
Classification: Uncertain significance for Hereditary cancer-predisposing syndrome. Last evaluated: 2024-06-18. Review status: criteria provided, single submitter. Criteria: ACMG Guidelines, 2015. Collection method: clinical testing. Allele origin: germline.
Comment: This missense variant replaces aspartic acid with glutamic acid at codon 1046 of the MSH6 protein. Computational prediction suggests that this variant may not impact protein structure and function. To our knowledge, functional studies have not been reported for this variant. This variant has not been reported in individuals affected with MSH6-related disorders in the literature. This variant has not been identified in the general population by the Genome Aggregation Database (gnomAD). The available evidence is insufficient to determine the role of this variant in disease conclusively. Therefore, this variant is classified as a Variant of Uncertain Significance.

GeneDx
Classification: Uncertain significance. Last evaluated: 2022-12-23. Review status: criteria provided, single submitter. Criteria: GeneDx Variant Classification Process June 2021. Collection method: clinical testing. Allele origin: germline. Affected: yes.
Comment: Not observed at significant frequency in large population cohorts (gnomAD); In silico analysis supports that this missense variant does not alter protein structure/function; Has not been previously published as pathogenic or benign to our knowledge; This variant is associated with the following publications: (PMID: 17531815, 21120944)